The following is an entry in ClinVar:

ClinVar aggregate classification (germline): Uncertain significance (1 of 4 stars; one submission).

Conditions:
Inborn genetic diseases. Identifiers: MedGen C0950123, MeSH D030342.

gnomAD v4.1: 2 of 1,614,120 alleles (0.00012%); highest among the groups gnomAD compares: East Asian, 0.0022%; no homozygotes.

Submission:

Ambry Genetics
Classification: Uncertain significance for Inborn genetic diseases. Last evaluated: 2024-11-28. Review status: criteria provided, single submitter. Criteria: Ambry Variant Classification Scheme 2023. Collection method: clinical testing. Allele origin: germline.
Comment: The p.E739K variant (also known as c.2215G>A), located in coding exon 8 of the MECOM gene, results from a G to A substitution at nucleotide position 2215. The glutamic acid at codon 739 is replaced by lysine, an amino acid with similar properties. This amino acid position is conserved. In addition, this alteration is predicted to be tolerated by in silico analysis. Based on the available evidence, the clinical significance of this variant remains unclear.

NM_004991.4(MECOM):c.2215G>A (p.Glu739Lys)

Gene: MECOM (MDS1 and EVI1 complex locus; minus strand). Cytogenetic location: 3q26.2.
Variant type: single nucleotide variant.
Coding change: c.2215G>A on transcript NM_004991.4 (MANE Select); coding-DNA position 2215, G replaced by A.
Protein change: p.Glu739Lys; replaces glutamic acid 739 with lysine.
Molecular consequence: missense variant.
Genome position (GRCh38, 1-based): chr3:169,115,657, C>T on the plus strand (G>A on the coding strand, the complement: MECOM is on the minus strand). VCF-style: chr3-169115657-C-T. GRCh37 (hg19) VCF-style: chr3-168833445-C-T.
Other names: c.1846G>A, p.Glu616Lys (NM_001105077.4); c.1651G>A, p.Glu551Lys (NM_001105078.4, NM_001164000.2, NM_001205194.2 and 4 more transcripts); c.1654G>A, p.Glu552Lys (NM_001163999.2, NM_001366467.2, NM_001366468.2 and 1 more transcripts); c.2215G>A, p.Glu739Lys (NM_001366466.2); c.1243G>A, p.Glu415Lys (NM_001366473.2); c.679G>A, p.Glu227Lys (NM_001366474.2); short protein forms E551K, E739K, E552K, E227K, E415K, E616K.
Identifiers: ClinVar variation 3394334 (VCV003394334.1).
Genomic context (GRCh38, chr3:169,115,657, plus strand): 5'-AGGGGACTGGAGTCAAGGGCTTCTCATCCTTTCGCTTAGTGGTGAGATCAAAGGGGGACT[C>T]AGAGCTGCCCTTCTGCAGTTTCTTTACTTCACCTGGTGATTGGGGTTCCATTTTCAAAGG-3'
Protein context (NP_004982.2, residues 729-749): EVKKLQKGSS[Glu739Lys]SPFDLTTKRK